The following is an entry in ClinVar:

NM_152424.4(AMER1):c.1670_1671del (p.Glu557fs)

Gene: AMER1 (APC membrane recruitment protein 1; minus strand). Cytogenetic location: Xq11.2.
Variant type: Microsatellite.
Coding change: c.1670_1671del on transcript NM_152424.4 (MANE Select); coding-DNA positions 1670 to 1671, 2 bases deleted (AG; older notation c.1670_1671delAG).
Protein change: p.Glu557fs; shifts the reading frame from glutamic acid 557.
Molecular consequence: frameshift variant.
Genome position (GRCh38, 1-based): chrX:64,191,616-64,191,617, CT deleted on the plus strand (AG on the coding strand, the reverse complement: AMER1 is on the minus strand); deleting any 2 consecutive bases within chrX:64,191,616-64,191,619 gives the same sequence; the c. name uses the placement nearest the transcript's 3' end. VCF-style (leftmost placement, unchanged base first): chrX-64191615-CCT-C. GRCh37 (hg19) VCF-style: chrX-63411495-CCT-C.
Other names: short protein forms E557fs.
Identifiers: ClinVar variation 4530188 (VCV004530188.2).

ClinVar aggregate classification (germline): Likely pathogenic (1 of 4 stars; one submission).
ClinVar aggregate classification (somatic clinical impact): Tier II - Potential (1 of 4 stars; one submission).

Conditions:
AMER1-related disorder. Also called: AMER1-related condition.
Rhabdomyosarcoma. Also called: Rhabdomyosarcoma (disease). Identifiers: Orphanet 780, MedGen C0035412, MeSH D012208, MONDO:0005212, HP:0002859.

Submissions (2):

Blueprint Genetics
Classification: Likely pathogenic for AMER1-related disorders. Last evaluated: 2024-05-15. Review status: criteria provided, single submitter. Criteria: ACMG Guidelines, 2015. Collection method: clinical testing. Allele origin: germline. Affected: yes. Observed: 1 variant allele.

Institute for Genomic Medicine (IGM) Clinical Laboratory, Nationwide Children's Hospital
Classification: Tier II - Potential for Rhabdomyosarcoma. Assertion type: diagnostic. Clinical significance: supports diagnosis. Last evaluated: 2023-05-03. Review status: criteria provided, single submitter. Criteria: AMP/ASCO/CAP Guidelines, 2017. Collection method: clinical testing. Allele origin: somatic. Affected: yes.
Comment: Variant has Tier II (potential) clinical significance as a diagnostic inclusion criterion in rhabdomyosarcoma, based on the following evidence: 1) Appears in one or more well-established professional guidelines (e.g., World Health Organization [WHO]; National Comprehensive Cancer Network [NCCN]) as providing diagnostic, prognostic, or therapeutic information (PMIDs: 17925383, 17510365, 20843316, 23117548, 17204608, 34166060, 26138366, 25768946, 24332040). 2) Information in the literature supports potential biologic effect of variant. 3) Assists in diagnosis alone or along with other biomarkers based on small studies or few case reports (Evidence Level D; PMIDs: 24249259, 17925383, 17510365, 20843316, 23117548, 17204608, 20696052).

Literature cited by the submitters: PubMed 17925383 (cited by Institute for Genomic Medicine (IGM) Clinical Laboratory, Nationwide Children's Hospital); PubMed 17510365 (cited by Institute for Genomic Medicine (IGM) Clinical Laboratory, Nationwide Children's Hospital); PubMed 20843316 (cited by Institute for Genomic Medicine (IGM) Clinical Laboratory, Nationwide Children's Hospital); PubMed 23117548 (cited by Institute for Genomic Medicine (IGM) Clinical Laboratory, Nationwide Children's Hospital); PubMed 17204608 (cited by Institute for Genomic Medicine (IGM) Clinical Laboratory, Nationwide Children's Hospital); PubMed 34166060 (cited by Institute for Genomic Medicine (IGM) Clinical Laboratory, Nationwide Children's Hospital); PubMed 26138366 (cited by Institute for Genomic Medicine (IGM) Clinical Laboratory, Nationwide Children's Hospital); PubMed 25768946 (cited by Institute for Genomic Medicine (IGM) Clinical Laboratory, Nationwide Children's Hospital); PubMed 24332040 (cited by Institute for Genomic Medicine (IGM) Clinical Laboratory, Nationwide Children's Hospital); PubMed 24249259 (cited by Institute for Genomic Medicine (IGM) Clinical Laboratory, Nationwide Children's Hospital); PubMed 20696052 (cited by Institute for Genomic Medicine (IGM) Clinical Laboratory, Nationwide Children's Hospital).